The following is an entry in ClinVar:

NM_001356.5(DDX3X):c.284+8A>C

Gene: DDX3X (DEAD-box helicase 3 X-linked; plus strand). Cytogenetic location: Xp11.4.
Variant type: single nucleotide variant.
Coding change: c.284+8A>C on transcript NM_001356.5 (MANE Select); 8 bases into the intron after coding-DNA position 284, A replaced by C.
Molecular consequence: intron variant.
Genome position (GRCh38, 1-based): chrX:41,341,624, A>C. VCF-style: chrX-41341624-A-C. GRCh37 (hg19) VCF-style: chrX-41200877-A-C.
Other names: c.284+8A>C (NM_001193416.3); c.236+8A>C (NM_001193417.3); c.-275+8A>C (NM_001363819.1).
Identifiers: ClinVar variation 3339165 (VCV003339165.5).
Genomic context (GRCh38, chrX:41,341,624, plus strand): 5'-TCAAGAGGGAAGTCTAGCTTCTTCAGTGATCGTGGAAGTGGATCAAGGGGAAGGTAAGTG[A>C]TTTCTTAATCACCTTACGTGTATGTATAATAACAGTTTAATAAGTCGTTATCCTGACCAC-3'

ClinVar aggregate classification (germline): Likely benign. Review status: criteria provided, multiple submitters, no conflicts (2 of 4 stars). 2 submissions from 2 submitters: Likely benign (2). Last evaluated 2025-04-30.

Submissions (2):

Women's Health and Genetics/Laboratory Corporation of America, LabCorp
Classification: Likely benign. Last evaluated: 2025-04-30. Review status: criteria provided, single submitter. Criteria: LabCorp Variant Classification Summary - May 2015. Collection method: clinical testing. Allele origin: germline.
Comment: Variant summary: DDX3X c.284+8A>C alters a non-conserved nucleotide located at a position not widely known to affect splicing. Consensus agreement among computation tools predict no significant impact on normal splicing. However, these predictions have yet to be confirmed by functional studies. The variant was absent in 180994 control chromosomes. The available data on variant occurrences in the general population are insufficient to allow any conclusion about variant significance. To our knowledge, no occurrence of c.284+8A>C in individuals affected with X-Linked Intellectual Disability 102 and no experimental evidence demonstrating its impact on protein function have been reported. ClinVar contains an entry for this variant (Variation ID: 3339165). Based on the evidence outlined above, the variant was classified as likely benign.

Labcorp Genetics (formerly Invitae), Labcorp
Classification: Likely benign. Last evaluated: 2024-08-05. Review status: criteria provided, single submitter. Criteria: Invitae Variant Classification Sherloc (09022015). Collection method: clinical testing. Allele origin: germline.